The following is an entry in ClinVar:

NM_001271.4(CHD2):c.5041_5042del (p.Met1681fs)

Gene: CHD2 (chromodomain helicase DNA binding protein 2; plus strand). Cytogenetic location: 15q26.1.
Variant type: Microsatellite.
Coding change: c.5041_5042del on transcript NM_001271.4 (MANE Select); coding-DNA positions 5041 to 5042, 2 bases deleted (AT; older notation c.5041_5042delAT).
Protein change: p.Met1681fs; shifts the reading frame from methionine 1681.
Molecular consequence: frameshift variant.
Genome position (GRCh38, 1-based): chr15:93,020,146-93,020,147, AT deleted; deleting any 2 consecutive bases within chr15:93,020,144-93,020,147 gives the same sequence; the c. name uses the placement nearest the transcript's 3' end. VCF-style (leftmost placement, unchanged base first): chr15-93020143-CAT-C. GRCh37 (hg19) VCF-style: chr15-93563373-CAT-C.
Other names: short protein forms M1681fs.
Identifiers: ClinVar variation 1454708 (VCV001454708.6), dbSNP rs2141895289, ClinGen allele CA2580613339.
Genomic context (GRCh38, chr15:93,020,143, plus strand): 5'-GACAGGCACCATCAGTATGAGCAGCACTGGTACAAGGACCACCATTATGGGGACCGGCGA[CAT>C]ATGGATGCCCACCGTTCCGGAAGCTATCGACCCAACAACATGTCCAGAAAGAGGCCTTAT-3'

ClinVar aggregate classification (germline): Pathogenic (1 of 4 stars; one submission).

Conditions:
Developmental and epileptic encephalopathy 94 (DEE94). Also called: Epileptic encephalopathy, childhood-onset; CHD2-Related Neurodevelopmental Disorders. Identifiers: Orphanet 1942, Orphanet 2382, MedGen C3809278, MONDO:0014150, OMIM 615369.

Submission:

Labcorp Genetics (formerly Invitae), Labcorp
Classification: Pathogenic for Developmental and epileptic encephalopathy 94. Last evaluated: 2022-06-27. Review status: criteria provided, single submitter. Criteria: Invitae Variant Classification Sherloc (09022015). Collection method: clinical testing. Allele origin: germline.
Comment: For these reasons, this variant has been classified as Pathogenic. This variant has not been reported in the literature in individuals affected with CHD2-related conditions. This variant is not present in population databases (gnomAD no frequency). This sequence change creates a premature translational stop signal (p.Met1681Glyfs*20) in the CHD2 gene. It is expected to result in an absent or disrupted protein product. Loss-of-function variants in CHD2 are known to be pathogenic (PMID: 23708187, 24207121).

Literature cited by the submitters: PubMed 23708187; PubMed 24207121.